The following is an entry in ClinVar:

ClinVar aggregate classification (germline): Likely pathogenic (1 of 4 stars; one submission).

Submission:

Labcorp Genetics (formerly Invitae), Labcorp
Classification: Likely pathogenic. Last evaluated: 2021-12-12. Review status: criteria provided, single submitter. Criteria: Invitae Variant Classification Sherloc (09022015). Collection method: clinical testing. Allele origin: germline.
Comment: In summary, the currently available evidence indicates that the variant is pathogenic, but additional data are needed to prove that conclusively. Therefore, this variant has been classified as Likely Pathogenic. Algorithms developed to predict the effect of sequence changes on RNA splicing suggest that this variant may disrupt the consensus splice site. This variant has not been reported in the literature in individuals affected with VPS13A-related conditions. This variant is not present in population databases (gnomAD no frequency). This sequence change affects a donor splice site in intron 25 of the VPS13A gene. It is expected to disrupt RNA splicing. Variants that disrupt the donor or acceptor splice site typically lead to a loss of protein function (PMID: 16199547), and loss-of-function variants in VPS13A are known to be pathogenic (PMID: 12404112, 21598378).

Literature cited by the submitters: PubMed 16199547; PubMed 12404112; PubMed 21598378.

NM_033305.3(VPS13A):c.2667+1G>T

Gene: VPS13A (vacuolar protein sorting 13 homolog A; plus strand). Cytogenetic location: 9q21.2.
Variant type: single nucleotide variant.
Coding change: c.2667+1G>T on transcript NM_033305.3 (MANE Select); the canonical splice donor site of the intron after coding-DNA position 2667, G replaced by T.
Molecular consequence: splice donor variant.
Genome position (GRCh38, 1-based): chr9:77,275,653, G>T. VCF-style: chr9-77275653-G-T. GRCh37 (hg19) VCF-style: chr9-79890569-G-T.
Other names: c.2667+1G>T (NM_001018037.2, NM_015186.4, NM_001018038.3).
Identifiers: ClinVar variation 1488866 (VCV001488866.6), dbSNP rs2131331144, ClinGen allele CA373844722.